The following is an entry in ClinVar:

NM_000548.5(TSC2):c.2561C>A (p.Pro854Gln)

Gene: TSC2 (TSC complex subunit 2; plus strand). Cytogenetic location: 16p13.3.
Variant type: single nucleotide variant.
Coding change: c.2561C>A on transcript NM_000548.5 (MANE Select); coding-DNA position 2561, C replaced by A.
Protein change: p.Pro854Gln; replaces proline 854 with glutamine.
Molecular consequence: missense variant. On other transcripts: non-coding transcript variant (5).
Genome position (GRCh38, 1-based): chr16:2,075,814, C>A. VCF-style: chr16-2075814-C-A. GRCh37 (hg19) VCF-style: chr16-2125815-C-A.
Other names: c.2561C>A, p.Pro854Gln (NM_001077183.3, NM_001114382.3, NM_001363528.2 and 6 more transcripts); c.2450C>A, p.Pro817Gln (NM_001318827.2, NM_001406670.1, NM_001406678.1); c.2414C>A, p.Pro805Gln (NM_001318829.2, NM_001406679.1, NM_001406675.1 and 1 more transcripts); c.1961C>A, p.Pro654Gln (NM_001318831.2, NM_001406680.1, NM_001406682.1 and 6 more transcripts); c.2594C>A, p.Pro865Gln (NM_001318832.2); c.2099C>A, p.Pro700Gln (NM_001406681.1); c.959C>A, p.Pro320Gln (NM_001406698.1); c.2651C>A, p.Pro884Gln (NM_001406667.1, NM_001406668.1); and 3 more; short protein forms P817Q, P854Q, P865Q, P406Q, P805Q, P320Q, P654Q, P700Q.
Identifiers: ClinVar variation 3974663 (VCV003974663.2).

ClinVar aggregate classification (germline): Uncertain significance. Review status: criteria provided, multiple submitters, no conflicts (2 of 4 stars). 2 submissions from 2 submitters: Uncertain significance (2). Last evaluated 2025-06-20.

Conditions:
Hereditary cancer-predisposing syndrome. Also called: Tumor predisposition; Neoplastic Syndromes, Hereditary; Hereditary Cancer Syndrome; Hereditary neoplastic syndrome. Identifiers: Orphanet 140162, MedGen C0027672, MeSH D009386, MONDO:0015356.
Tuberous sclerosis 2 (TSC2). Identifiers: Orphanet 805, MedGen C1860707, MONDO:0013199, OMIM 613254.

Submissions (2):

Labcorp Genetics (formerly Invitae), Labcorp
Classification: Uncertain significance for Tuberous sclerosis 2. Last evaluated: 2025-06-20. Review status: criteria provided, single submitter. Criteria: Invitae Variant Classification Sherloc (09022015). Collection method: clinical testing. Allele origin: germline.
Comment: This sequence change replaces proline, which is neutral and non-polar, with glutamine, which is neutral and polar, at codon 854 of the TSC2 protein (p.Pro854Gln). This variant is not present in population databases (gnomAD no frequency). This variant has not been reported in the literature in individuals affected with TSC2-related conditions. Invitae Evidence Modeling of protein sequence and biophysical properties (such as structural, functional, and spatial information, amino acid conservation, physicochemical variation, residue mobility, and thermodynamic stability) indicates that this missense variant is not expected to disrupt TSC2 protein function with a negative predictive value of 95%. In summary, the available evidence is currently insufficient to determine the role of this variant in disease. Therefore, it has been classified as a Variant of Uncertain Significance.

Ambry Genetics
Classification: Uncertain significance for Hereditary cancer-predisposing syndrome. Last evaluated: 2025-04-18. Review status: criteria provided, single submitter. Criteria: Ambry Variant Classification Scheme 2023. Collection method: clinical testing. Allele origin: germline.
Comment: The p.P854Q variant (also known as c.2561C>A), located in coding exon 22 of the TSC2 gene, results from a C to A substitution at nucleotide position 2561. The proline at codon 854 is replaced by glutamine, an amino acid with similar properties. This amino acid position is conserved. In addition, this alteration is predicted to be deleterious by in silico analysis. Based on the available evidence, the clinical significance of this variant remains unclear.